The following is an entry in ClinVar:

NM_020937.4(FANCM):c.4145A>T (p.Asp1382Val)

Gene: FANCM (FA complementation group M; plus strand). Cytogenetic location: 14q21.2.
Variant type: single nucleotide variant.
Coding change: c.4145A>T on transcript NM_020937.4 (MANE Select); coding-DNA position 4145, A replaced by T.
Protein change: p.Asp1382Val; replaces aspartic acid 1382 with valine.
Molecular consequence: missense variant.
Genome position (GRCh38, 1-based): chr14:45,176,899, A>T. VCF-style: chr14-45176899-A-T. GRCh37 (hg19) VCF-style: chr14-45646102-A-T.
Other names: c.4067A>T, p.Asp1356Val (NM_001308133.2); short protein forms D1382V, D1356V.
Identifiers: ClinVar variation 2077055 (VCV002077055.4), dbSNP rs2139253766, ClinGen allele CA389604500.

ClinVar aggregate classification (germline): Uncertain significance (1 of 4 stars; one submission).

Conditions:
Fanconi anemia (FA). Also called: Fanconi's anemia. Identifiers: Orphanet 84, MedGen C0015625, MeSH D005199, MONDO:0019391.

Submission:

Labcorp Genetics (formerly Invitae), Labcorp
Classification: Uncertain significance for Fanconi anemia. Last evaluated: 2022-06-28. Review status: criteria provided, single submitter. Criteria: Invitae Variant Classification Sherloc (09022015). Collection method: clinical testing. Allele origin: germline.
Comment: Algorithms developed to predict the effect of missense changes on protein structure and function output the following: SIFT: "Tolerated"; PolyPhen-2: "Benign"; Align-GVGD: "Class C0". The valine amino acid residue is found in multiple mammalian species, which suggests that this missense change does not adversely affect protein function. This variant has not been reported in the literature in individuals affected with FANCM-related conditions. This variant is not present in population databases (gnomAD no frequency). This sequence change replaces aspartic acid, which is acidic and polar, with valine, which is neutral and non-polar, at codon 1382 of the FANCM protein (p.Asp1382Val). In summary, the available evidence is currently insufficient to determine the role of this variant in disease. Therefore, it has been classified as a Variant of Uncertain Significance.